The following is an entry in ClinVar:

NM_002579.3(PALM):c.614T>C (p.Val205Ala)

Gene: PALM (paralemmin; plus strand). Cytogenetic location: 19p13.3.
Variant type: single nucleotide variant.
Coding change: c.614T>C on transcript NM_002579.3 (MANE Select); coding-DNA position 614, T replaced by C.
Protein change: p.Val205Ala; replaces valine 205 with alanine.
Molecular consequence: missense variant. On other transcripts: intron variant (1).
Genome position (GRCh38, 1-based): chr19:740,463, T>C. VCF-style: chr19-740463-T-C. GRCh37 (hg19) VCF-style: chr19-740463-T-C.
Other names: c.502+4385T>C (NM_001040134.2); short protein forms V205A.
Identifiers: ClinVar variation 2793485 (VCV002793485.3), dbSNP rs1015927464, ClinGen allele CA303943866.

ClinVar aggregate classification (germline): Uncertain significance (1 of 4 stars; one submission).

Allele frequency attached by ClinVar (database versions not stated): gnomAD 0.00001; TOPMed 0.00001.
gnomAD v4.1: 2 of 1,551,944 alleles (0.00013%); highest among the groups gnomAD compares: African/African-American, 0.0027%; no homozygotes.

Submission:

Labcorp Genetics (formerly Invitae), Labcorp
Classification: Uncertain significance. Last evaluated: 2024-01-08. Review status: criteria provided, single submitter. Criteria: Invitae Variant Classification Sherloc (09022015). Collection method: clinical testing. Allele origin: germline.
Comment: This sequence change replaces valine, which is neutral and non-polar, with alanine, which is neutral and non-polar, at codon 205 of the PALM protein (p.Val205Ala). This variant is not present in population databases (gnomAD no frequency). This variant has not been reported in the literature in individuals affected with PALM-related conditions. An algorithm developed to predict the effect of missense changes on protein structure and function (PolyPhen-2) suggests that this variant is likely to be disruptive. In summary, the available evidence is currently insufficient to determine the role of this variant in disease. Therefore, it has been classified as a Variant of Uncertain Significance.